The following is an entry in ClinVar:

ClinVar aggregate classification (germline): Conflicting classifications of pathogenicity. Review status: criteria provided, conflicting classifications (1 of 4 stars). 8 submissions from 5 submitters: Uncertain significance (5); Benign (1). 2 of the submissions do not count toward it. Last evaluated 2024-12-27.

Conditions:
Combined PSAP deficiency (PSAPD). Also called: COMBINED SAP DEFICIENCY; PROSAPOSIN DEFICIENCY; Encephalopathy due to prosaposin deficiency. Identifiers: Orphanet 139406, MedGen C2673635, MONDO:0012719, OMIM 611721.
Gaucher disease due to saposin C deficiency. Also called: Atypical Gaucher disease due to saposin C deficiency; Saposin C Deficiency. Identifiers: Orphanet 309252, Orphanet 355, MedGen C1864651, MONDO:0012517, OMIM 610539.
Sphingolipid activator protein 1 deficiency. Also called: METACHROMATIC LEUKODYSTROPHY DUE TO CEREBROSIDE SULFATASE ACTIVATOR DEFICIENCY; Metachromatic leukodystrophy due to saposin B deficiency; Saposin B Deficiency. Identifiers: Orphanet 512, MedGen C0268262, MONDO:0009590, OMIM 249900.
Krabbe disease due to saposin A deficiency. Also called: KRABBE DISEASE, ATYPICAL, DUE TO SAPOSIN A DEFICIENCY; Saposin A Deficiency. Identifiers: Orphanet 487, MedGen C2673266, MONDO:0012720, OMIM 611722.
Metachromatic leukodystrophy (MLD). Also called: ARSA DEFICIENCY; CEREBROSIDE SULFATASE DEFICIENCY; METACHROMATIC LEUKOENCEPHALOPATHY; SULFATIDE LIPIDOSIS; Cerebral sclerosis diffuse metachromatic form; Arylsulfatase A Deficiency. Identifiers: Orphanet 512, MedGen C0023522, MONDO:0018868, OMIM 250100.

Allele frequency attached by ClinVar (database versions not stated): gnomAD exomes 0.00014 and 0.00020; ExAC 0.00035; TOPMed 0.00007; ESP Exome Variant Server 0.00008; gnomAD 0.00008 and 0.00009.

Submissions (8):

Mayo Clinic Laboratories, Mayo Clinic
Classification: Uncertain significance. Last evaluated: 2024-12-27. Review status: criteria provided, single submitter. Criteria: ACMG Guidelines, 2015. Collection method: clinical testing. Allele origin: germline. Observed: 1 variant allele.

Labcorp Genetics (formerly Invitae), Labcorp
Classification: Uncertain significance for Sphingolipid activator protein 1 deficiency. Last evaluated: 2022-09-13. Review status: criteria provided, single submitter. Criteria: Invitae Variant Classification Sherloc (09022015). Collection method: clinical testing. Allele origin: germline.
Comment: This sequence change replaces threonine, which is neutral and polar, with methionine, which is neutral and non-polar, at codon 363 of the PSAP protein (p.Thr363Met). This variant is present in population databases (rs140066253, gnomAD 0.03%), including at least one homozygous and/or hemizygous individual. This variant has not been reported in the literature in individuals affected with PSAP-related conditions. ClinVar contains an entry for this variant (Variation ID: 300515). Advanced modeling of protein sequence and biophysical properties (such as structural, functional, and spatial information, amino acid conservation, physicochemical variation, residue mobility, and thermodynamic stability) performed at Invitae indicates that this missense variant is expected to disrupt PSAP protein function. In summary, the available evidence is currently insufficient to determine the role of this variant in disease. Therefore, it has been classified as a Variant of Uncertain Significance.

Illumina Laboratory Services, Illumina
Classification: Uncertain significance for Krabbe disease due to saposin A deficiency. Last evaluated: 2018-01-12. Review status: criteria provided, single submitter. Criteria: ICSL Variant Classification Criteria 13 December 2019. Collection method: clinical testing. Allele origin: germline.

Illumina Laboratory Services, Illumina
Classification: Benign for Gaucher disease due to saposin C deficiency. Last evaluated: 2018-01-12. Review status: criteria provided, single submitter. Criteria: ICSL Variant Classification Criteria 13 December 2019. Collection method: clinical testing. Allele origin: germline.
Comment: This variant was observed in the ICSL laboratory as part of a predisposition screen in an ostensibly healthy population. It had not been previously curated by ICSL or reported in the Human Gene Mutation Database (HGMD: prior to June 1st, 2018), and was therefore a candidate for classification through an automated scoring system. Utilizing variant allele frequency, disease prevalence and penetrance estimates, and inheritance mode, an automated score was calculated to assess if this variant is too frequent to cause the disease. Based on the score and internal cut-off values, a variant classified as benign is not then subjected to further curation. The score for this variant resulted in a classification of benign for this disease.

Illumina Laboratory Services, Illumina
Classification: Uncertain significance for Combined PSAP deficiency. Last evaluated: 2018-01-12. Review status: criteria provided, single submitter. Criteria: ICSL Variant Classification Criteria 13 December 2019. Collection method: clinical testing. Allele origin: germline.

Illumina Laboratory Services, Illumina
Classification: Uncertain significance for Sphingolipid activator protein 1 deficiency. Last evaluated: 2018-01-12. Review status: criteria provided, single submitter. Criteria: ICSL Variant Classification Criteria 13 December 2019. Collection method: clinical testing. Allele origin: germline.

Natera, Inc.
Classification: Uncertain significance for Metachromatic leukodystrophy. Last evaluated: 2020-01-15. Review status: no assertion criteria provided. Collection method: clinical testing. Allele origin: germline. Not counted in ClinVar's aggregate classification.

Department of Pathology and Laboratory Medicine, Sinai Health System
Classification: Uncertain significance. Review status: no assertion criteria provided. Collection method: clinical testing. Allele origin: unknown. Affected: yes. Study: The Canadian Open Genetics Repository (COGR). Not counted in ClinVar's aggregate classification.
Comment: The PSAP p.Thr363Met variant was not identified in the literature nor was it identified in LOVD 3.0. The variant was identified in dbSNP (ID: rs140066253) and ClinVar (classified as uncertain significance by Illumina for Krabbe Disease, Metachromatic Leukodystrophy, Combined Saposin Deficiency and Atypical Gaucher Disease). The variant was identified in control databases in 54 of 282470 chromosomes (1 homozygous) at a frequency of 0.0001912 (Genome Aggregation Database March 6, 2019, v2.1.1). The variant was observed in the following populations: European (non-Finnish) in 45 of 128938 chromosomes (freq: 0.000349), European (Finnish) in 4 of 25086 chromosomes (freq: 0.00016), Other in 1 of 7218 chromosomes (freq: 0.000139), African in 2 of 24936 chromosomes (freq: 0.00008), South Asian in 1 of 30610 chromosomes (freq: 0.000033) and Latino in 1 of 35388 chromosomes (freq: 0.000028), but was not observed in the Ashkenazi Jewish or East Asian populations. The p.Thr363 residue is not conserved in mammals and computational analyses (PolyPhen-2, SIFT, AlignGVGD, BLOSUM, MutationTaster) provide inconsistent predictions regarding the impact to the protein; this information is not very predictive of pathogenicity. The variant occurs outside of the splicing consensus sequence and two of four in silico or computational prediction software programs (SpliceSiteFinder, MaxEntScan, NNSPLICE, GeneSplicer) predict a greater than 10% difference in splicing. However, this information is not predictive enough to assume pathogenicity. In summary, based on the above information the clinical significance of this variant cannot be determined with certainty at this time. This variant is classified as a variant of uncertain significance.

Literature cited by the submitters: PubMed 30037697 (cited by Mayo Clinic Laboratories, Mayo Clinic); PubMed 33219486 (cited by Mayo Clinic Laboratories, Mayo Clinic).

NM_002778.4(PSAP):c.1088C>T (p.Thr363Met)

Gene: PSAP (prosaposin; minus strand). Cytogenetic location: 10q22.1.
Variant type: single nucleotide variant.
Coding change: c.1088C>T on transcript NM_002778.4 (MANE Select); coding-DNA position 1088, C replaced by T.
Protein change: p.Thr363Met; replaces threonine 363 with methionine.
Molecular consequence: missense variant.
Genome position (GRCh38, 1-based): chr10:71,819,818, G>A on the plus strand (C>T on the coding strand, the complement: PSAP is on the minus strand). VCF-style: chr10-71819818-G-A. GRCh37 (hg19) VCF-style: chr10-73579575-G-A.
Other names: p.Thr363Met; c.1097C>T, p.Thr366Met (NM_001042465.3); c.1094C>T, p.Thr365Met (NM_001042466.3); short protein forms T363M, T366M, T365M.
Identifiers: ClinVar variation 300515 (VCV000300515.10), dbSNP rs140066253, ClinGen allele CA5547484.
Genomic context (GRCh38, chr10:71,819,818, plus strand): 5'-CTGCACACCAGCTCAGGGCTGACCTCCTCCAGCAGGATGGACAGGATGGAGCTGCCGTAC[G>A]TGTCCACCACCTCCTGGCACTCTTCCGACAGGGACTTCGGCAGCTTCGAGCACATTTTGT-3'
Protein context (NP_002769.1, residues 353-373): LSEECQEVVD[Thr363Met]YGSSILSILL